The following is an entry in ClinVar:

ClinVar aggregate classification (germline): Uncertain significance (1 of 4 stars; one submission).

Submission:

GeneDx
Classification: Uncertain significance. Last evaluated: 2023-02-23. Review status: criteria provided, single submitter. Criteria: GeneDx Variant Classification Process June 2021. Collection method: clinical testing. Allele origin: germline. Affected: yes.
Comment: Not observed at significant frequency in large population cohorts (gnomAD); In silico analysis supports that this missense variant does not alter protein structure/function; Has not been previously published as pathogenic or benign to our knowledge

NM_001429.4(EP300):c.2999C>A (p.Ser1000Tyr)

Genes: EP300 (E1A binding protein p300; plus strand), LOC126863158 (BRD4-independent group 4 enhancer GRCh37_chr22:41547383-41548582; plus strand). Cytogenetic location: 22q13.2.
Variant type: single nucleotide variant.
Coding change: c.2999C>A on transcript NM_001429.4 (MANE Select); coding-DNA position 2999, C replaced by A.
Protein change: p.Ser1000Tyr; replaces serine 1000 with tyrosine.
Molecular consequence: missense variant.
Genome position (GRCh38, 1-based): chr22:41,152,207, C>A. VCF-style: chr22-41152207-C-A. GRCh37 (hg19) VCF-style: chr22-41548211-C-A.
Other names: c.2921C>A, p.Ser974Tyr (NM_001362843.2); short protein forms S1000Y, S974Y.
Identifiers: ClinVar variation 2577745 (VCV002577745.1), dbSNP rs1434557433, ClinGen allele CA411693151.
Genomic context (GRCh38, chr22:41,152,207, plus strand): 5'-ATTACTGATTCCCAACTAGATATCTTTGGAATACTAAAAATTCTTACGTTTTCTTTTAGT[C>A]TAAAGTGGAAGACTGTAAAATGGAATCTACCGAAACAGAAGAGAGAAGCACTGAGTTAAA-3'
Protein context (NP_001420.2, residues 990-1010): ADTQPEDISE[Ser1000Tyr]KVEDCKMEST